The following is an entry in ClinVar:

NM_005555.4(KRT6B):c.181C>T (p.Leu61=)

Gene: KRT6B (keratin 6B; minus strand). Cytogenetic location: 12q13.13.
Variant type: single nucleotide variant.
Coding change: c.181C>T on transcript NM_005555.4 (MANE Select); coding-DNA position 181, C replaced by T.
Protein change: p.Leu61=; no amino-acid change (leucine 61 retained).
Molecular consequence: synonymous variant.
Genome position (GRCh38, 1-based): chr12:52,451,898, G>A on the plus strand (C>T on the coding strand, the complement: KRT6B is on the minus strand). VCF-style: chr12-52451898-G-A. GRCh37 (hg19) VCF-style: chr12-52845682-G-A.
Identifiers: ClinVar variation 3037934 (VCV003037934.2), dbSNP rs778816046, ClinGen allele CA6580918.

ClinVar aggregate classification (germline): Likely benign (0 of 4 stars; one submission).

Conditions:
KRT6B-related disorder. Also called: KRT6B-related condition.

Allele frequency attached by ClinVar (database versions not stated): ExAC 0.00020.

Submission:

PreventionGenetics, part of Exact Sciences
Classification: Likely benign for KRT6B-related condition. Last evaluated: 2024-01-03. Review status: no assertion criteria provided. Collection method: clinical testing. Allele origin: germline.
Comment: This variant is classified as likely benign based on ACMG/AMP sequence variant interpretation guidelines (Richards et al. 2015 PMID: 25741868, with internal and published modifications).